The following is an entry in ClinVar:

NM_000368.5(TSC1):c.2828C>T (p.Ala943Val)

Gene: TSC1 (TSC complex subunit 1; minus strand). Cytogenetic location: 9q34.13.
Variant type: single nucleotide variant.
Coding change: c.2828C>T on transcript NM_000368.5 (MANE Select); coding-DNA position 2828, C replaced by T.
Protein change: p.Ala943Val; replaces alanine 943 with valine.
Molecular consequence: missense variant. On other transcripts: non-coding transcript variant (5).
Genome position (GRCh38, 1-based): chr9:132,897,331, G>A on the plus strand (C>T on the coding strand, the complement: TSC1 is on the minus strand). VCF-style: chr9-132897331-G-A. GRCh37 (hg19) VCF-style: chr9-135772718-G-A.
Other names: c.2825C>T, p.Ala942Val (NM_001162426.2, NM_001406600.1, NM_001406597.1 and 2 more transcripts); c.2813C>T, p.Ala938Val (NM_001406601.1, NM_001406602.1); c.2810C>T, p.Ala937Val (NM_001406603.1, NM_001406604.1); c.2786C>T, p.Ala929Val (NM_001406605.1, NM_001406606.1, NM_001406607.1); c.2783C>T, p.Ala928Val (NM_001406608.1, NM_001406609.1); c.2465C>T, p.Ala822Val (NM_001406619.1, NM_001362177.2, NM_001406614.1 and 4 more transcripts); c.2462C>T, p.Ala821Val (NM_001406620.1, NM_001406621.1, NM_001406622.1 and 1 more transcripts); c.2423C>T, p.Ala808Val (NM_001406624.1); and 8 more; short protein forms A808V, A822V, A891V, A938V, A942V, A626V, A807V, A929V.
Identifiers: ClinVar variation 2741121 (VCV002741121.3), dbSNP rs2131628362, ClinGen allele CA375368920.

ClinVar aggregate classification (germline): Uncertain significance (1 of 4 stars; one submission).

Conditions:
Tuberous sclerosis 1 (TSC1). Identifiers: Orphanet 805, MedGen C1854465, MONDO:0008612, OMIM 191100.

Allele frequency attached by ClinVar (database versions not stated): gnomAD exomes below 0.00001.
gnomAD v4.1: 1 of 1,614,118 alleles (0.000062%); highest among the groups gnomAD compares: Non-Finnish European, 0.000085%; no homozygotes.

Submission:

Labcorp Genetics (formerly Invitae), Labcorp
Classification: Uncertain significance for Tuberous sclerosis 1. Last evaluated: 2023-05-23. Review status: criteria provided, single submitter. Criteria: Invitae Variant Classification Sherloc (09022015). Collection method: clinical testing. Allele origin: germline.
Comment: In summary, the available evidence is currently insufficient to determine the role of this variant in disease. Therefore, it has been classified as a Variant of Uncertain Significance. Advanced modeling of protein sequence and biophysical properties (such as structural, functional, and spatial information, amino acid conservation, physicochemical variation, residue mobility, and thermodynamic stability) performed at Invitae indicates that this missense variant is not expected to disrupt TSC1 protein function. This variant has not been reported in the literature in individuals affected with TSC1-related conditions. This variant is not present in population databases (gnomAD no frequency). This sequence change replaces alanine, which is neutral and non-polar, with valine, which is neutral and non-polar, at codon 943 of the TSC1 protein (p.Ala943Val).